The following is an entry in ClinVar:

NM_000321.3(RB1):c.69G>C (p.Pro23=)

Gene: RB1 (RB transcriptional corepressor 1; plus strand). Cytogenetic location: 13q14.2.
Variant type: single nucleotide variant.
Coding change: c.69G>C on transcript NM_000321.3 (MANE Select); coding-DNA position 69, G replaced by C.
Protein change: p.Pro23=; no amino-acid change (proline 23 retained).
Molecular consequence: synonymous variant.
Genome position (GRCh38, 1-based): chr13:48,303,981, G>C. VCF-style: chr13-48303981-G-C. GRCh37 (hg19) VCF-style: chr13-48878117-G-C.
Identifiers: ClinVar variation 1571742 (VCV001571742.11), dbSNP rs746662122, ClinGen allele CA039263.

ClinVar aggregate classification (germline): Benign/Likely benign. Review status: criteria provided, multiple submitters, no conflicts (2 of 4 stars). 3 submissions from 3 submitters: Benign (1); Likely benign (2). Last evaluated 2024-06-04.

Conditions:
Hereditary cancer-predisposing syndrome. Also called: Hereditary Cancer Syndrome; Hereditary neoplastic syndrome; Neoplastic Syndromes, Hereditary; Tumor predisposition. Identifiers: Orphanet 140162, MedGen C0027672, MeSH D009386, MONDO:0015356.
Retinoblastoma (RB1). Also called: RETINOBLASTOMA, SOMATIC. Identifiers: Orphanet 790, MedGen C0035335, MeSH D012175, MONDO:0008380, OMIM 180200, HP:0009919. Disease mechanism: loss of function. Inheritance: Both sporadic and heritable forms are tested..

Allele frequency attached by ClinVar (database versions not stated): gnomAD 0.00002; ExAC 0.00010.
gnomAD v4.1: 21 of 1,491,178 alleles (0.0014%); highest among the groups gnomAD compares: South Asian, 0.025%; no homozygotes.

Submissions (3):

Labcorp Genetics (formerly Invitae), Labcorp
Classification: Likely benign for Retinoblastoma. Last evaluated: 2024-06-04. Review status: criteria provided, single submitter. Criteria: Invitae Variant Classification Sherloc (09022015). Collection method: clinical testing. Allele origin: germline.

All of Us Research Program, National Institutes of Health
Classification: Benign for Retinoblastoma. Last evaluated: 2023-12-01. Review status: criteria provided, single submitter. Criteria: ACMG Guidelines, 2015. Collection method: clinical testing. Allele origin: germline. Inheritance: Autosomal dominant inheritance. Observed: 1 variant allele, 1 heterozygote.
Comment: This study involves interpretation of variants in research participants for the purpose of population health screening. Participant phenotype was not available at the time of variant classification. Additional details can be found in publication PMID: 35346344, PMCID: PMC8962531

Ambry Genetics
Classification: Likely benign for Hereditary cancer-predisposing syndrome. Last evaluated: 2021-10-14. Review status: criteria provided, single submitter. Criteria: Ambry Variant Classification Scheme 2023. Collection method: clinical testing. Allele origin: germline.